The following is an entry in ClinVar:

ClinVar aggregate classification (germline): Pathogenic. Review status: criteria provided, multiple submitters, no conflicts (2 of 4 stars). 2 submissions from 2 submitters: Pathogenic (2). Last evaluated 2026-01-08.

Conditions:
Hereditary cancer-predisposing syndrome. Also called: Neoplastic Syndromes, Hereditary; Tumor predisposition; Hereditary Cancer Syndrome; Hereditary neoplastic syndrome. Identifiers: Orphanet 140162, MedGen C0027672, MeSH D009386, MONDO:0015356.
Familial adenomatous polyposis 1 (FAP1). Also called: FAMILIAL ADENOMATOUS POLYPOSIS 1, ATTENUATED; POLYPOSIS, ADENOMATOUS INTESTINAL. Identifiers: MedGen C2713442, MONDO:0021056, OMIM 175100. Disease mechanism: loss of function.

Submissions (3):

Ambry Genetics
Classification: Pathogenic for Hereditary cancer-predisposing syndrome. Last evaluated: 2026-01-08. Review status: criteria provided, single submitter. Criteria: Ambry Variant Classification Scheme 2023. Collection method: clinical testing. Allele origin: germline.
Comment: The c.1744-1G>A intronic pathogenic mutation results from a G to A substitution one nucleotide before coding exon 14 of the APC gene. Alterations that disrupt the canonical splice site are expected to cause aberrant splicing, resulting in an abnormal protein or a transcript that is subject to nonsense-mediated mRNA decay. This variant has been reported to segregate with disease in a family affected with familial adenomatous polyposis (Wang D et al. Oncotarget, 2017 Mar;8:21327-21335). This variant is considered to be rare based on population cohorts in the Genome Aggregation Database (gnomAD). This nucleotide position is highly conserved in available vertebrate species. In silico splice site analysis predicts that this alteration will weaken the native splice acceptor site and may result in the creation or strengthening of a novel splice acceptor site. RNA studies have demonstrated that this alteration results in abnormal splicing in the set of samples tested (Ambry internal data). Based on the supporting evidence, this alteration is interpreted as a disease-causing mutation.

Myriad Genetics, Inc.
Classification: Pathogenic for Familial adenomatous polyposis 1. Last evaluated: 2023-05-03. Review status: criteria provided, single submitter. Criteria: Myriad Autosomal Dominant, Autosomal Recessive and X-Linked Classification Criteria (2023). Collection method: clinical testing. Allele origin: unknown.
Comment: This variant is considered pathogenic. This variant occurs within a consensus splice junction and is predicted to result in abnormal mRNA splicing of either an out-of-frame exon or an in-frame exon necessary for protein stability and/or normal function. mRNA analysis has demonstrated abnormal mRNA splicing occurs [PMID:15459959].

Dr. Peter K. Rogan Lab, Western University
No classification provided (evidence only). Condition: Colorectal cancer. Review status: no classification provided. Collection method: in vitro. Allele origin: not applicable. Functional consequence: retained intron. Not counted in ClinVar's aggregate classification.

Literature cited by the submitters: PubMed 28423518 (cited by Ambry Genetics); PubMed 15459959 (cited by Myriad Genetics, Inc.).

NM_000038.6(APC):c.1744-1G>A

Gene: APC (APC regulator of Wnt signaling pathway; plus strand). Cytogenetic location: 5q22.2.
Variant type: single nucleotide variant.
Coding change: c.1744-1G>A on transcript NM_000038.6 (MANE Select); the canonical splice acceptor site of the intron before coding-DNA position 1744, G replaced by A.
Molecular consequence: splice acceptor variant.
Genome position (GRCh38, 1-based): chr5:112,834,950, G>A. VCF-style: chr5-112834950-G-A. GRCh37 (hg19) VCF-style: chr5-112170647-G-A.
Other names: NC_000005.9:g.112170647G>A; c.895-1G>A (NM_001407470.1, NM_001354906.2); c.592-1G>A (NM_001407472.1, NM_001407471.1); c.1798-1G>A (NM_001407447.1, NM_001407448.1, NM_001407449.1 and 1 more transcripts); c.1744-1G>A (NM_001354895.2, NM_001407450.1, NM_001127510.3); c.1495-1G>A (NM_001407456.1, NM_001407457.1, NM_001407455.1 and 1 more transcripts); c.1441-1G>A (NM_001407460.1, NM_001407458.1, NM_001407459.1 and 1 more transcripts); c.1714-1G>A (NM_001407452.1); and 12 more.
Identifiers: ClinVar variation 2452736 (VCV002452736.6), dbSNP rs976449430, ClinGen allele CA360622294.